The following is an entry in ClinVar:

NM_058172.6(ANTXR2):c.421A>G (p.Ser141Gly)

Gene: ANTXR2 (ANTXR cell adhesion molecule 2; minus strand). Cytogenetic location: 4q21.21.
Variant type: single nucleotide variant.
Coding change: c.421A>G on transcript NM_058172.6 (MANE Select); coding-DNA position 421, A replaced by G.
Protein change: p.Ser141Gly; replaces serine 141 with glycine.
Molecular consequence: missense variant.
Genome position (GRCh38, 1-based): chr4:80,055,425, T>C on the plus strand (A>G on the coding strand, the complement: ANTXR2 is on the minus strand). VCF-style: chr4-80055425-T-C. GRCh37 (hg19) VCF-style: chr4-80976579-T-C.
Other names: c.421A>G, p.Ser141Gly (NM_001145794.2); c.190A>G, p.Ser64Gly (NM_001286780.2, NM_001286781.2); short protein forms S141G, S64G.
Identifiers: ClinVar variation 1801971 (VCV001801971.1), dbSNP rs2476137328, ClinGen allele CA357473054.

ClinVar aggregate classification (germline): Uncertain significance (1 of 4 stars; one submission).

Submission:

GeneDx
Classification: Uncertain significance. Last evaluated: 2022-05-31. Review status: criteria provided, single submitter. Criteria: GeneDx Variant Classification Process June 2021. Collection method: clinical testing. Allele origin: germline. Affected: yes.
Comment: Not observed at significant frequency in large population cohorts (gnomAD); In silico analysis supports that this missense variant has a deleterious effect on protein structure/function; Has not been previously published as pathogenic or benign to our knowledge